The following is an entry in ClinVar:

NM_003922.4(HERC1):c.11230C>T (p.Arg3744Trp)

Gene: HERC1 (HECT and RLD domain containing E3 ubiquitin protein ligase family member 1; minus strand). Cytogenetic location: 15q22.31.
Variant type: single nucleotide variant.
Coding change: c.11230C>T on transcript NM_003922.4 (MANE Select); coding-DNA position 11230, C replaced by T.
Protein change: p.Arg3744Trp; replaces arginine 3744 with tryptophan.
Molecular consequence: missense variant.
Genome position (GRCh38, 1-based): chr15:63,643,505, G>A on the plus strand (C>T on the coding strand, the complement: HERC1 is on the minus strand). VCF-style: chr15-63643505-G-A. GRCh37 (hg19) VCF-style: chr15-63935704-G-A.
Other names: short protein forms R3744W.
Identifiers: ClinVar variation 1028676 (VCV001028676.6), dbSNP rs529584007, ClinGen allele CA7604272.

ClinVar aggregate classification (germline): Uncertain significance. Review status: criteria provided, multiple submitters, no conflicts (2 of 4 stars). 2 submissions from 2 submitters: Uncertain significance (2). Last evaluated 2022-08-06.

Conditions:
Macrocephaly, dysmorphic facies, and psychomotor retardation (MDFPMR). Identifiers: Orphanet 457359, MedGen C4310766, MONDO:0014863, OMIM 617011.

Allele frequency attached by ClinVar (database versions not stated): gnomAD exomes below 0.00001 and 0.00001; ExAC 0.00001; gnomAD 0.00001 and 0.00002; TOPMed 0.00001; 1000 Genomes Project 30x 0.00016; 1000 Genomes Project 0.00020.
gnomAD v4.1: 7 of 1,609,254 alleles (0.00043%); highest among the groups gnomAD compares: East Asian, 0.0045%; no homozygotes.

Submissions (2):

Labcorp Genetics (formerly Invitae), Labcorp
Classification: Uncertain significance. Last evaluated: 2022-08-06. Review status: criteria provided, single submitter. Criteria: Invitae Variant Classification Sherloc (09022015). Collection method: clinical testing. Allele origin: germline.
Comment: This sequence change replaces arginine, which is basic and polar, with tryptophan, which is neutral and slightly polar, at codon 3744 of the HERC1 protein (p.Arg3744Trp). The frequency data for this variant in the population databases is considered unreliable, as metrics indicate poor data quality at this position in the gnomAD database. This variant has not been reported in the literature in individuals affected with HERC1-related conditions. ClinVar contains an entry for this variant (Variation ID: 1028676). Algorithms developed to predict the effect of missense changes on protein structure and function (SIFT, PolyPhen-2, Align-GVGD) all suggest that this variant is likely to be disruptive. In summary, the available evidence is currently insufficient to determine the role of this variant in disease. Therefore, it has been classified as a Variant of Uncertain Significance.

Baylor Genetics
Classification: Uncertain significance for Macrocephaly, dysmorphic facies, and psychomotor retardation. Last evaluated: 2020-01-15. Review status: criteria provided, single submitter. Criteria: ACMG Guidelines, 2015. Collection method: clinical testing. Allele origin: unknown. Affected: yes.
Comment: This variant was determined to be of uncertain significance according to ACMG Guidelines, 2015 [PMID:25741868].